The following is an entry in ClinVar:

NM_177438.3(DICER1):c.1190G>A (p.Ser397Asn)

Gene: DICER1 (dicer 1, ribonuclease III; minus strand). Cytogenetic location: 14q32.13.
Variant type: single nucleotide variant.
Coding change: c.1190G>A on transcript NM_177438.3 (MANE Select); coding-DNA position 1190, G replaced by A.
Protein change: p.Ser397Asn; replaces serine 397 with asparagine.
Molecular consequence: missense variant.
Genome position (GRCh38, 1-based): chr14:95,124,382, C>T on the plus strand (G>A on the coding strand, the complement: DICER1 is on the minus strand). VCF-style: chr14-95124382-C-T. GRCh37 (hg19) VCF-style: chr14-95590719-C-T.
Other names: c.1190G>A, p.Ser397Asn (NM_001195573.1, NM_001271282.3, NM_001291628.2 and 1 more transcripts); short protein forms S397N.
Identifiers: ClinVar variation 479633 (VCV000479633.13), dbSNP rs1347290726, ClinGen allele CA390886761.

ClinVar aggregate classification (germline): Uncertain significance. Review status: criteria provided, multiple submitters, no conflicts (2 of 4 stars). 2 submissions from 2 submitters: Uncertain significance (2). Last evaluated 2025-01-07.

Conditions:
DICER1-related tumor predisposition. Also called: DICER1-related pleuropulmonary blastoma cancer predisposition syndrome; DICER1 syndrome. Identifiers: Orphanet 284343, MedGen C3839822, MONDO:0100216.
Hereditary cancer-predisposing syndrome. Also called: Tumor predisposition; Neoplastic Syndromes, Hereditary; Hereditary Cancer Syndrome; Hereditary neoplastic syndrome. Identifiers: Orphanet 140162, MedGen C0027672, MeSH D009386, MONDO:0015356.

Allele frequency attached by ClinVar (database versions not stated): gnomAD exomes below 0.00001; TOPMed below 0.00001; gnomAD 0.00001.
gnomAD v4.1: 1 of 1,614,066 alleles (0.000062%); highest among the groups gnomAD compares: African/African-American, 0.0013%; no homozygotes.

Submissions (2):

Ambry Genetics
Classification: Uncertain significance for Hereditary cancer-predisposing syndrome. Last evaluated: 2025-01-07. Review status: criteria provided, single submitter. Criteria: Ambry Variant Classification Scheme 2023. Collection method: clinical testing. Allele origin: germline.
Comment: The p.S397N variant (also known as c.1190G>A), located in coding exon 7 of the DICER1 gene, results from a G to A substitution at nucleotide position 1190. The serine at codon 397 is replaced by asparagine, an amino acid with highly similar properties. This amino acid position is highly conserved in available vertebrate species. In addition, this alteration is predicted to be tolerated by in silico analysis. Based on the available evidence, the clinical significance of this variant remains unclear.

Labcorp Genetics (formerly Invitae), Labcorp
Classification: Uncertain significance for DICER1-related tumor predisposition. Last evaluated: 2023-07-17. Review status: criteria provided, single submitter. Criteria: Invitae Variant Classification Sherloc (09022015). Collection method: clinical testing. Allele origin: germline.
Comment: In summary, the available evidence is currently insufficient to determine the role of this variant in disease. Therefore, it has been classified as a Variant of Uncertain Significance. Advanced modeling of protein sequence and biophysical properties (such as structural, functional, and spatial information, amino acid conservation, physicochemical variation, residue mobility, and thermodynamic stability) performed at Invitae indicates that this missense variant is not expected to disrupt DICER1 protein function. ClinVar contains an entry for this variant (Variation ID: 479633). This variant has not been reported in the literature in individuals affected with DICER1-related conditions. This variant is present in population databases (no rsID available, gnomAD 0.007%). This sequence change replaces serine, which is neutral and polar, with asparagine, which is neutral and polar, at codon 397 of the DICER1 protein (p.Ser397Asn).